The following is an entry in ClinVar:

NM_005188.4(CBL):c.2212C>G (p.Gln738Glu)

Gene: CBL (Cbl proto-oncogene; plus strand). Cytogenetic location: 11q23.3.
Variant type: single nucleotide variant.
Coding change: c.2212C>G on transcript NM_005188.4 (MANE Select); coding-DNA position 2212, C replaced by G.
Protein change: p.Gln738Glu; replaces glutamine 738 with glutamic acid.
Molecular consequence: missense variant.
Genome position (GRCh38, 1-based): chr11:119,297,442, C>G. VCF-style: chr11-119297442-C-G. GRCh37 (hg19) VCF-style: chr11-119168152-C-G.
Other names: short protein forms Q738E.
Identifiers: ClinVar variation 2499896 (VCV002499896.5), dbSNP rs2496971981, ClinGen allele CA382928418.
Genomic context (GRCh38, chr11:119,297,442, plus strand): 5'-AGAGCATGTGATTGCGACCAGCAGATTGATAGCTGTACGTATGAAGCAATGTATAATATT[C>G]AGTCCCAGGCGCCATCTATCACCGAGAGCAGCACCTTTGGTAAGTTGCCATTCTGCTACT-3'
Protein context (NP_005179.2, residues 728-748): SCTYEAMYNI[Gln738Glu]SQAPSITESS

ClinVar aggregate classification (germline): Uncertain significance. Review status: criteria provided, multiple submitters, no conflicts (2 of 4 stars). 2 submissions from 2 submitters: Uncertain significance (2). Last evaluated 2023-11-13.

Conditions:
RASopathy. Also called: rasopathies; Noonan spectrum disorder. Identifiers: Orphanet 536391, MedGen C5555857, MONDO:0021060.

Submissions (2):

GeneDx
Classification: Uncertain significance. Last evaluated: 2023-11-13. Review status: criteria provided, single submitter. Criteria: GeneDx Variant Classification Process June 2021. Collection method: clinical testing. Allele origin: germline.
Comment: Not observed at significant frequency in large population cohorts (gnomAD); In silico analysis supports that this missense variant does not alter protein structure/function; Has not been previously published as pathogenic or benign to our knowledge

Labcorp Genetics (formerly Invitae), Labcorp
Classification: Uncertain significance for RASopathy. Last evaluated: 2022-12-07. Review status: criteria provided, single submitter. Criteria: Invitae Variant Classification Sherloc (09022015). Collection method: clinical testing. Allele origin: germline.
Comment: In summary, the available evidence is currently insufficient to determine the role of this variant in disease. Therefore, it has been classified as a Variant of Uncertain Significance. Advanced modeling of protein sequence and biophysical properties (such as structural, functional, and spatial information, amino acid conservation, physicochemical variation, residue mobility, and thermodynamic stability) performed at Invitae indicates that this missense variant is not expected to disrupt CBL protein function. This variant has not been reported in the literature in individuals affected with CBL-related conditions. This variant is not present in population databases (gnomAD no frequency). This sequence change replaces glutamine, which is neutral and polar, with glutamic acid, which is acidic and polar, at codon 738 of the CBL protein (p.Gln738Glu).